The following is an entry in ClinVar:

ClinVar aggregate classification (germline): Likely benign. Review status: criteria provided, multiple submitters, no conflicts (2 of 4 stars). 2 submissions from 2 submitters: Likely benign (2). Last evaluated 2025-11-01.

Allele frequency attached by ClinVar (database versions not stated): gnomAD 0.00001; gnomAD exomes 0.00001; ExAC 0.00002; TOPMed 0.00002.
gnomAD v4.1: 7 of 1,613,500 alleles (0.00043%); highest among the groups gnomAD compares: Admixed American, 0.0017%; no homozygotes.

Submissions (2):

CeGaT Center for Human Genetics Tuebingen
Classification: Likely benign. Last evaluated: 2025-11-01. Review status: criteria provided, single submitter. Criteria: CeGaT Center For Human Genetics Tuebingen Variant Classification Criteria Version 2. Collection method: clinical testing. Allele origin: germline. Affected: yes. Observed: 1 variant allele.
Comment: HERC1: BP4, BP7

Labcorp Genetics (formerly Invitae), Labcorp
Classification: Likely benign. Last evaluated: 2023-03-01. Review status: criteria provided, single submitter. Criteria: Invitae Variant Classification Sherloc (09022015). Collection method: clinical testing. Allele origin: germline.

NM_003922.4(HERC1):c.7344C>T (p.Asp2448=)

Gene: HERC1 (HECT and RLD domain containing E3 ubiquitin protein ligase family member 1; minus strand). Cytogenetic location: 15q22.31.
Variant type: single nucleotide variant.
Coding change: c.7344C>T on transcript NM_003922.4 (MANE Select); coding-DNA position 7344, C replaced by T.
Protein change: p.Asp2448=; no amino-acid change (aspartic acid 2448 retained).
Molecular consequence: synonymous variant.
Genome position (GRCh38, 1-based): chr15:63,674,844, G>A on the plus strand (C>T on the coding strand, the complement: HERC1 is on the minus strand). VCF-style: chr15-63674844-G-A. GRCh37 (hg19) VCF-style: chr15-63967043-G-A.
Identifiers: ClinVar variation 2904479 (VCV002904479.9), dbSNP rs754595820, ClinGen allele CA7605165.